The following is an entry in ClinVar:

ClinVar aggregate classification (germline): Uncertain significance. Review status: criteria provided, single submitter (1 of 4 stars). 2 submissions from 2 submitters: Uncertain significance (1). 1 of the submissions does not count toward it. Last evaluated 2023-12-14.

Conditions:
Charcot-Marie-Tooth disease, type I (CMT1). Also called: Charcot-Marie-Tooth disease type 1; Charcot-Marie-Tooth, Type 1. Identifiers: Orphanet 65753, MedGen C0751036, MONDO:0019011.
Charcot-Marie-Tooth disease. Also called: Charcot-Marie-Tooth Hereditary Neuropathy; Charcot-Marie-Tooth Neuropathy. Identifiers: Orphanet 166, MedGen C0007959, MONDO:0015626.

Allele frequency attached by ClinVar (database versions not stated): gnomAD exomes below 0.00001; ExAC 0.00001.
gnomAD v4.1: 3 of 1,614,202 alleles (0.00019%); highest among the groups gnomAD compares: Non-Finnish European, 0.00025%; no homozygotes.

Submissions (2):

Labcorp Genetics (formerly Invitae), Labcorp
Classification: Uncertain significance for Charcot-Marie-Tooth disease, type I. Last evaluated: 2023-12-14. Review status: criteria provided, single submitter. Criteria: Invitae Variant Classification Sherloc (09022015). Collection method: clinical testing. Allele origin: germline.
Comment: This sequence change replaces tyrosine, which is neutral and polar, with phenylalanine, which is neutral and non-polar, at codon 33 of the MPZ protein (p.Tyr33Phe). This variant is present in population databases (rs771372609, gnomAD 0.0009%). This missense change has been observed in individual(s) with Charcot-Marie-Tooth disease (PMID: 19259128). ClinVar contains an entry for this variant (Variation ID: 637341). Advanced modeling of protein sequence and biophysical properties (such as structural, functional, and spatial information, amino acid conservation, physicochemical variation, residue mobility, and thermodynamic stability) performed at Invitae indicates that this missense variant is not expected to disrupt MPZ protein function with a negative predictive value of 80%. In summary, the available evidence is currently insufficient to determine the role of this variant in disease. Therefore, it has been classified as a Variant of Uncertain Significance.

Inherited Neuropathy Consortium
Classification: Uncertain significance for Charcot-Marie-Tooth disease. Review status: no assertion criteria provided. Collection method: literature only. Allele origin: germline. Affected: yes. Not counted in ClinVar's aggregate classification.

Literature cited by the submitters: PubMed 19259128 (cited by Labcorp Genetics (formerly Invitae), Labcorp and Inherited Neuropathy Consortium).

NM_000530.8(MPZ):c.98A>T (p.Tyr33Phe)

Gene: MPZ (myelin protein zero; minus strand). Cytogenetic location: 1q23.3.
Variant type: single nucleotide variant.
Coding change: c.98A>T on transcript NM_000530.8 (MANE Select); coding-DNA position 98, A replaced by T.
Protein change: p.Tyr33Phe; replaces tyrosine 33 with phenylalanine.
Molecular consequence: missense variant.
Genome position (GRCh38, 1-based): chr1:161,307,394, T>A on the plus strand (A>T on the coding strand, the complement: MPZ is on the minus strand). VCF-style: chr1-161307394-T-A. GRCh37 (hg19) VCF-style: chr1-161277184-T-A.
Other names: c.98A>T (LRG_256t1); c.98A>T, p.Tyr33Phe (NM_001315491.2); short protein forms Y33F.
Identifiers: ClinVar variation 637341 (VCV000637341.6), dbSNP rs771372609, ClinGen allele CA1210231.